The following is an entry in ClinVar:

ClinVar aggregate classification (germline): Conflicting classifications of pathogenicity. Review status: criteria provided, conflicting classifications (1 of 4 stars). 10 submissions from 10 submitters: Uncertain significance (8); Likely benign (1). 1 of the submissions does not count toward it. Last evaluated 2026-01-12.

Conditions:
BRCA2-related cancer predisposition. Identifiers: MedGen CN377758, MONDO:0700269.
Hereditary cancer-predisposing syndrome. Also called: Tumor predisposition; Neoplastic Syndromes, Hereditary; Hereditary neoplastic syndrome; Hereditary Cancer Syndrome. Identifiers: Orphanet 140162, MedGen C0027672, MeSH D009386, MONDO:0015356.
Familial cancer of breast. Also called: BREAST CANCER, FAMILIAL; hereditary breast carcinoma; Hereditary breast cancer. Identifiers: Orphanet 227535, MedGen C0346153, MONDO:0016419, OMIM 114480. Disease mechanism: loss of function.
Hereditary breast ovarian cancer syndrome. Also called: Hereditary breast and ovarian cancer; Hereditary breast and ovarian cancer syndrome (HBOC); Hereditary breast and ovarian cancer syndrome; BRCA1- and BRCA2-Associated Hereditary Breast and Ovarian Cancer; Breast and ovarian cancer; Hereditary breast and/or ovarian cancer syndrome. Identifiers: Orphanet 145, MedGen C0677776, MeSH D061325, MONDO:0003582. Disease mechanism: loss of function.
Breast-ovarian cancer, familial, susceptibility to, 2 (BROVCA2). Also called: BRCA2 Hereditary Breast and Ovarian Cancer. Identifiers: Orphanet 145, MedGen C2675520, MONDO:0012933, OMIM 612555. Disease mechanism: loss of function.

gnomAD v4.1: 10 of 1,613,982 alleles (0.00062%); highest among the groups gnomAD compares: Non-Finnish European, 0.00085%; no homozygotes.

Submissions (10):

Labcorp Genetics (formerly Invitae), Labcorp
Classification: Uncertain significance for Hereditary breast ovarian cancer syndrome. Last evaluated: 2026-01-12. Review status: criteria provided, single submitter. Criteria: Invitae Variant Classification Sherloc (09022015). Collection method: clinical testing. Allele origin: germline.
Comment: This sequence change replaces leucine, which is neutral and non-polar, with histidine, which is basic and polar, at codon 2768 of the BRCA2 protein (p.Leu2768His). This variant is not present in population databases (gnomAD no frequency). This missense change has been observed in individual(s) with breast cancer (PMID: 25452441). ClinVar contains an entry for this variant (Variation ID: 142807). Invitae Evidence Modeling incorporating data from in vitro experimental studies (PMID: 33609447) indicates that this missense variant is not expected to disrupt BRCA2 function with a negative predictive value of 95%. Experimental studies have shown that this missense change does not substantially affect BRCA2 function (PMID: 29394989, 35736817). In summary, the available evidence is currently insufficient to determine the role of this variant in disease. Therefore, it has been classified as a Variant of Uncertain Significance.

Mayo Clinic Laboratories, Mayo Clinic
Classification: Uncertain significance. Last evaluated: 2025-01-28. Review status: criteria provided, single submitter. Criteria: ACMG Guidelines, 2015. Collection method: clinical testing. Allele origin: germline. Observed: 1 variant allele.
Comment: BS3, PM2_supporting

All of Us Research Program, National Institutes of Health
Classification: Uncertain significance for BRCA2-related cancer predisposition. Last evaluated: 2024-05-30. Review status: criteria provided, single submitter. Criteria: ACMG Guidelines, 2015. Collection method: clinical testing. Allele origin: germline. Inheritance: Autosomal dominant inheritance. Observed: 4 variant alleles, 4 heterozygotes.
Comment: This missense variant replaces leucine with histidine at codon 2768 of the BRCA2 protein. Computational prediction suggests that this variant may have deleterious impact on protein structure and function. Functional studies have reported that this variant does not deleteriously impact BRCA2 function on a homology-mediated DNA repair assay (PMID: 29394989, 35736817) and loss-of-function in cisplatin and PARP inhibitor sensitivity assays using a humanized mouse embryonic stem cell model (PMID: 37713444). This variant has been reported in at least one individual affected with breast cancer (PMID: 25452441) and in a breast cancer case-control meta-analysis in 1/60466 cases and 0/53461 unaffected individuals (PMID: 33471991; Leiden Open Variation Database DB-ID BRCA2_000815). This variant has not been identified in the general population by the Genome Aggregation Database (gnomAD). The available evidence is insufficient to determine the role of this variant in disease conclusively. Therefore, this variant is classified as a Variant of Uncertain Significance.

This study involves interpretation of variants in research participants for the purpose of population health screening. Participant phenotype was not available at the time of variant classification. Additional details can be found in publication PMID: 35346344, PMCID: PMC8962531

Color Diagnostics, LLC DBA Color Health
Classification: Uncertain significance for Hereditary cancer-predisposing syndrome. Last evaluated: 2024-05-14. Review status: criteria provided, single submitter. Criteria: ACMG Guidelines, 2015. Collection method: clinical testing. Allele origin: germline.
Comment: This missense variant replaces leucine with histidine at codon 2768 of the BRCA2 protein. Computational prediction suggests that this variant may have deleterious impact on protein structure and function. Functional studies have reported that this variant does not deleteriously impact BRCA2 function on a homology-mediated DNA repair assay (PMID: 29394989, 35736817) and loss-of-function in cisplatin and PARP inhibitor sensitivity assays using a humanized mouse embryonic stem cell model (PMID: 37713444). This variant has been reported in at least one individual affected with breast cancer (PMID: 25452441) and in a breast cancer case-control meta-analysis in 1/60466 cases and 0/53461 unaffected individuals (PMID: 33471991; Leiden Open Variation Database DB-ID BRCA2_000815). This variant has not been identified in the general population by the Genome Aggregation Database (gnomAD). The available evidence is insufficient to determine the role of this variant in disease conclusively. Therefore, this variant is classified as a Variant of Uncertain Significance.

Baylor Genetics
Classification: Uncertain significance for Familial cancer of breast. Last evaluated: 2023-09-06. Review status: criteria provided, single submitter. Criteria: ACMG Guidelines, 2015. Collection method: clinical testing. Allele origin: unknown.

Ambry Genetics
Classification: Likely benign for Hereditary cancer-predisposing syndrome. Last evaluated: 2020-02-12. Review status: criteria provided, single submitter. Criteria: Ambry Variant Classification Scheme 2023. Collection method: clinical testing. Allele origin: germline.

Women's Health and Genetics/Laboratory Corporation of America, LabCorp
Classification: Uncertain significance. Last evaluated: 2019-11-29. Review status: criteria provided, single submitter. Criteria: LabCorp Variant Classification Summary - May 2015. Collection method: clinical testing. Allele origin: germline.
Comment: Variant summary: BRCA2 c.8303T>A (p.Leu2768His) results in a non-conservative amino acid change located in the BRCA2, OB1 domain of the encoded protein sequence. Five of five in-silico tools predict a damaging effect of the variant on protein function. The variant was absent in 248454 control chromosomes (gnomAD). The available data on variant occurrences in the general population are insufficient to allow any conclusion about variant significance. c.8303T>A has been reported in the literature in an individual affected with Hereditary Breast and Ovarian Cancer (Couch_2015). This report does not provide an unequivocal conclusion about association of the variant with Hereditary Breast and Ovarian Cancer. A functional study, Guidugli_2018, found the variant to not significantly impede homology-directed DNA repair activity. Five ClinVar submissions (evaluation after 2014) cites the variant as uncertain significance. Based on the evidence outlined above, the variant was classified as uncertain significance.

Quest Diagnostics Nichols Institute San Juan Capistrano
Classification: Uncertain significance. Last evaluated: 2019-08-21. Review status: criteria provided, single submitter. Criteria: Quest Diagnostics criteria. Collection method: clinical testing. Allele origin: germline.

GeneDx
Classification: Uncertain significance. Last evaluated: 2018-07-23. Review status: criteria provided, single submitter. Criteria: GeneDx Variant Classification (06012015). Collection method: clinical testing. Allele origin: germline. Affected: yes.
Comment: This variant is denoted BRCA2 c.8303T>A at the cDNA level, p.Leu2768His (L2768H) at the protein level, and results in the change of a Leucine to a Histidine (CTT>CAT). BRCA2 Leu2768His, also defined as BRCA2 8531T>A using alternate nomenclature, has been observed in at least one individual with triple negative breast cancer (Couch 2015). This variant exhibited a level of homology-directed repair (HDR) activity consistent with a classification of 'neutral' in a cell-based functional assay (Guidugli 2018). BRCA2 Leu2768His was not observed in large population cohorts (Lek 2016). This variant is located in DNA binding domain (Yang 2002). In silico analysis, which includes protein predictors and evolutionary conservation, supports that this variant does not alter protein structure/function. Based on currently available evidence, it is unclear whether BRCA2 Leu2768His is a pathogenic or benign variant. We consider it to be a variant of uncertain significance.

Department of Pathology and Laboratory Medicine, Sinai Health System
Classification: Uncertain significance for Breast-ovarian cancer, familial, susceptibility to, 2. Review status: no assertion criteria provided. Collection method: clinical testing. Allele origin: unknown. Affected: yes. Observed: 1 variant allele. Study: The Canadian Open Genetics Repository (COGR). Not counted in ClinVar's aggregate classification.
Comment: The BRCA2, p.Leu2768His variant was identified the ClinVar database (classified as a uncertain significance variant by the Ambry Genetics) and UMD (3X as a unknown significance variant). The p.Leu2768 residue is conserved across mammals and lower organisms, and computational analyses (PolyPhen-2, SIFT, AlignGVGD, BLOSUM, MutationTaster) suggest that the p.Leu2768 variant may impact the protein. However, this information is not predictive enough to assume pathogenicity. In summary, based on the above information, the clinical significance of this variant cannot be determined with certainty at this time. This variant is classified as a variant of unknown significance

Literature cited by the submitters: PubMed 25452441 (cited by 7 submitters); PubMed 33609447 (cited by Labcorp Genetics (formerly Invitae), Labcorp and Mayo Clinic Laboratories, Mayo Clinic); PubMed 29394989 (cited by 6 submitters); PubMed 35736817 (cited by 4 submitters); PubMed 31853058 (cited by Mayo Clinic Laboratories, Mayo Clinic); PubMed 33471991 (cited by All of Us Research Program, National Institutes of Health and Color Diagnostics, LLC DBA Color Health); PubMed 37713444 (cited by All of Us Research Program, National Institutes of Health and Color Diagnostics, LLC DBA Color Health); PubMed 29884841 (cited by Women's Health and Genetics/Laboratory Corporation of America, LabCorp).

NM_000059.4(BRCA2):c.8303T>A (p.Leu2768His)

Gene: BRCA2 (BRCA2 DNA repair associated; plus strand). Cytogenetic location: 13q13.1.
Variant type: single nucleotide variant.
Coding change: c.8303T>A on transcript NM_000059.4 (MANE Select); coding-DNA position 8303, T replaced by A.
Protein change: p.Leu2768His; replaces leucine 2768 with histidine.
Molecular consequence: missense variant.
Genome position (GRCh38, 1-based): chr13:32,363,505, T>A. VCF-style: chr13-32363505-T-A. GRCh37 (hg19) VCF-style: chr13-32937642-T-A.
Other names: short protein forms L2768H.
Identifiers: ClinVar variation 142807 (VCV000142807.27), dbSNP rs587782732, ClinGen allele CA025559.